The following is an entry in ClinVar:

ClinVar aggregate classification (germline): Uncertain significance (1 of 4 stars; one submission).

Conditions:
Inborn genetic diseases. Identifiers: MedGen C0950123, MeSH D030342.

Allele frequency attached by ClinVar (database versions not stated): gnomAD exomes below 0.00001; gnomAD 0.00002.
gnomAD v4.1: 4 of 1,613,704 alleles (0.00025%); highest among the groups gnomAD compares: Admixed American, 0.0017%; no homozygotes.

Submission:

Ambry Genetics
Classification: Uncertain significance for Inborn genetic diseases. Last evaluated: 2021-08-09. Review status: criteria provided, single submitter. Criteria: Ambry Variant Classification Scheme 2023. Collection method: clinical testing. Allele origin: germline.
Comment: The p.V498F variant (also known as c.1492G>T), located in coding exon 11 of the BUB1B gene, results from a G to T substitution at nucleotide position 1492. The valine at codon 498 is replaced by phenylalanine, an amino acid with highly similar properties. This amino acid position is conserved. In addition, this alteration is predicted to be tolerated by in silico analysis. Since supporting evidence is limited at this time, the clinical significance of this alteration remains unclear.

NM_001211.6(BUB1B):c.1492G>T (p.Val498Phe)

Gene: BUB1B (BUB1 mitotic checkpoint serine/threonine kinase B; plus strand). Cytogenetic location: 15q15.1.
Variant type: single nucleotide variant.
Coding change: c.1492G>T on transcript NM_001211.6 (MANE Select); coding-DNA position 1492, G replaced by T.
Protein change: p.Val498Phe; replaces valine 498 with phenylalanine.
Molecular consequence: missense variant.
Genome position (GRCh38, 1-based): chr15:40,200,334, G>T. VCF-style: chr15-40200334-G-T. GRCh37 (hg19) VCF-style: chr15-40492535-G-T.
Other names: short protein forms V498F.
Identifiers: ClinVar variation 1773818 (VCV001773818.2), dbSNP rs916717736, ClinGen allele CA268794420.